The following is an entry in ClinVar:

ClinVar aggregate classification (germline): Likely pathogenic (1 of 4 stars; one submission).

Submission:

Mayo Clinic Laboratories, Mayo Clinic
Classification: Likely pathogenic. Last evaluated: 2022-02-15. Review status: criteria provided, single submitter. Criteria: ACMG Guidelines, 2015. Collection method: clinical testing. Allele origin: germline. Observed: 1 variant allele.
Comment: PP3, PM2, PM6, PS4_moderate

Literature cited by the submitters: PubMed 17391497; PubMed 22624626; PubMed 23463630; PubMed 33942228.

NM_001972.4(ELANE):c.457G>C (p.Ala153Pro)

Gene: ELANE (elastase, neutrophil expressed; plus strand). Cytogenetic location: 19p13.3.
Variant type: single nucleotide variant.
Coding change: c.457G>C on transcript NM_001972.4 (MANE Select); coding-DNA position 457, G replaced by C.
Protein change: p.Ala153Pro; replaces alanine 153 with proline.
Molecular consequence: missense variant.
Genome position (GRCh38, 1-based): chr19:855,654, G>C. VCF-style: chr19-855654-G-C. GRCh37 (hg19) VCF-style: chr19-855654-G-C.
Other names: p.Ala153Pro; short protein forms A153P.
Identifiers: ClinVar variation 2683682 (VCV002683682.1), dbSNP rs2512168309, ClinGen allele CA402918145.